The following is an entry in ClinVar:

ClinVar aggregate classification (germline): Conflicting classifications of pathogenicity. Review status: criteria provided, conflicting classifications (1 of 4 stars). 13 submissions from 12 submitters: Uncertain significance (8); Likely benign (2). 3 of the submissions do not count toward it. Last evaluated 2026-01-15.

Conditions:
Hereditary cancer-predisposing syndrome. Also called: Neoplastic Syndromes, Hereditary; Tumor predisposition; Hereditary Cancer Syndrome; Hereditary neoplastic syndrome. Identifiers: Orphanet 140162, MedGen C0027672, MeSH D009386, MONDO:0015356.
Hereditary breast ovarian cancer syndrome. Also called: Hereditary breast and ovarian cancer syndrome; Hereditary breast and ovarian cancer; Hereditary breast and ovarian cancer syndrome (HBOC); Breast and ovarian cancer; Hereditary breast and/or ovarian cancer syndrome; BRCA1- and BRCA2-Associated Hereditary Breast and Ovarian Cancer. Identifiers: Orphanet 145, MedGen C0677776, MeSH D061325, MONDO:0003582. Disease mechanism: loss of function.
Fanconi anemia complementation group D1. Also called: BRCA2-Related Fanconi Anemia. Identifiers: Orphanet 319462, MedGen C1838457, MONDO:0011584, OMIM 605724.
Breast-ovarian cancer, familial, susceptibility to, 2 (BROVCA2). Also called: BRCA2 Hereditary Breast and Ovarian Cancer. Identifiers: Orphanet 145, MedGen C2675520, MONDO:0012933, OMIM 612555. Disease mechanism: loss of function.
BRCA2-related cancer predisposition. Identifiers: MedGen CN377758, MONDO:0700269.

Allele frequency attached by ClinVar (database versions not stated): gnomAD exomes below 0.00001 and 0.00001; ExAC 0.00001.
gnomAD v4.1: 19 of 1,570,796 alleles (0.0012%); highest among the groups gnomAD compares: Non-Finnish European, 0.0016%; no homozygotes.

Submissions (13):

Labcorp Genetics (formerly Invitae), Labcorp
Classification: Uncertain significance for Hereditary breast ovarian cancer syndrome. Last evaluated: 2026-01-15. Review status: criteria provided, single submitter. Criteria: Invitae Variant Classification Sherloc (09022015). Collection method: clinical testing. Allele origin: germline.
Comment: This sequence change replaces isoleucine, which is neutral and non-polar, with threonine, which is neutral and polar, at codon 1275 of the BRCA2 protein (p.Ile1275Thr). This variant is present in population databases (rs80358625, gnomAD 0.001%). This missense change has been observed in individual(s) with breast cancer (PMID: 25896959). ClinVar contains an entry for this variant (Variation ID: 51531). Invitae Evidence Modeling of protein sequence and biophysical properties (such as structural, functional, and spatial information, amino acid conservation, physicochemical variation, residue mobility, and thermodynamic stability) indicates that this missense variant is not expected to disrupt BRCA2 protein function with a negative predictive value of 95%. In summary, the available evidence is currently insufficient to determine the role of this variant in disease. Therefore, it has been classified as a Variant of Uncertain Significance.

Ambry Genetics
Classification: Likely benign for Hereditary cancer-predisposing syndrome. Last evaluated: 2025-07-18. Review status: criteria provided, single submitter. Criteria: Ambry Variant Classification Scheme 2023. Collection method: clinical testing. Allele origin: germline.

Color Diagnostics, LLC DBA Color Health
Classification: Uncertain significance for Hereditary cancer-predisposing syndrome. Last evaluated: 2025-07-10. Review status: criteria provided, single submitter. Criteria: ACMG Guidelines, 2015. Collection method: clinical testing. Allele origin: germline.
Comment: This missense variant replaces isoleucine with threonine at codon 1275 of the BRCA2 protein. Computational prediction suggests that this variant may not impact protein structure and function. To our knowledge, functional studies have not been reported for this variant. This variant has been reported in an individual affected with breast cancer and in a breast cancer case-control meta-analysis in 0/60466 cases and 3/53461 unaffected individuals (PMID: 25896959, 33471991Leiden Open Variation Database DB-ID BRCA2_001200).\\ Multifactorial analysis has reached a combined likelihood ratio (LR) of 0.916 based on reported LR for co-occurrence with a pathogenic variant and personal and family history for 5 carriers (PMID: 31131967, 31853058). This variant has been identified in 1/218466 chromosomes in the general population by the Genome Aggregation Database (gnomAD). The available evidence is insufficient to determine the role of this variant in disease conclusively. Therefore, this variant is classified as a Variant of Uncertain Significance.

All of Us Research Program, National Institutes of Health
Classification: Uncertain significance for BRCA2-related cancer predisposition. Last evaluated: 2024-05-09. Review status: criteria provided, single submitter. Criteria: ACMG Guidelines, 2015. Collection method: clinical testing. Allele origin: germline. Inheritance: Autosomal dominant inheritance. Observed: 4 variant alleles, 4 heterozygotes.
Comment: This missense variant replaces isoleucine with threonine at codon 1275 of the BRCA2 protein. Computational prediction suggests that this variant may not impact protein structure and function (internally defined REVEL score threshold <= 0.5, PMID: 27666373). To our knowledge, functional studies have not been reported for this variant. This variant has been reported in an individual affected with breast cancer and three unaffected individuals (PMID: 25896959, 33471991; Leiden Open Variation Database DB-ID BRCA2_001200). This variant has been identified in 1/218466 chromosomes in the general population by the Genome Aggregation Database (gnomAD). The available evidence is insufficient to determine the role of this variant in disease conclusively. Therefore, this variant is classified as a Variant of Uncertain Significance.

This study involves interpretation of variants in research participants for the purpose of population health screening. Participant phenotype was not available at the time of variant classification. Additional details can be found in publication PMID: 35346344, PMCID: PMC8962531

Quest Diagnostics Nichols Institute San Juan Capistrano
Classification: Uncertain significance. Last evaluated: 2024-03-15. Review status: criteria provided, single submitter. Criteria: Quest Diagnostics criteria. Collection method: clinical testing. Allele origin: unknown.
Comment: The BRCA2 c.3824T>C (p.Ile1275Thr) variant has been reported in the published literature in individuals affected with breast and/or ovarian cancer (PMID: 25896959 (2015)) and lung cancer (PMID: 28843361 (2017)). In addition, this variant has been reported to be located in a region of the BRCA2 gene that is tolerant to missense sequence changes (PMID: 31911673 (2020)). The frequency of this variant in the general population, 0.0000098 (1/102406 chromosomes (Genome Aggregation Database)), is uninformative in the assessment of its pathogenicity. Analysis of this variant using bioinformatics tools for the prediction of the effect of amino acid changes on protein structure and function yielded predictions that this variant is benign. Based on the available information, we are unable to determine the clinical significance of this variant.

University of Washington Department of Laboratory Medicine, University of Washington
Classification: Likely benign for Hereditary cancer-predisposing syndrome. Last evaluated: 2023-03-23. Review status: criteria provided, single submitter. Criteria: Dines et al. (Genet Med. 2020). Collection method: curation. Allele origin: germline.
Comment: Missense variant in a coldspot region where missense variants are very unlikely to be pathogenic (PMID:31911673).

BRCA2 exon 11 coldspot. Reclassification based on statistical prior probability.

GeneDx
Classification: Uncertain significance. Last evaluated: 2022-10-20. Review status: criteria provided, single submitter. Criteria: GeneDx Variant Classification Process June 2021. Collection method: clinical testing. Allele origin: germline. Affected: yes.
Comment: Observed in individuals with a personal history of breast cancer (D'Argenio et al., 2015); In silico analysis supports that this missense variant does not alter protein structure/function; Not observed at significant frequency in large population cohorts (gnomAD); Also known as 4052T>C; This variant is associated with the following publications: (PMID: 31131967, 28843361, 25896959)

Women's Health and Genetics/Laboratory Corporation of America, LabCorp
Classification: Uncertain significance. Last evaluated: 2022-06-21. Review status: criteria provided, single submitter. Criteria: LabCorp Variant Classification Summary - May 2015. Collection method: clinical testing. Allele origin: germline.
Comment: Variant summary: BRCA2 c.3824T>C (p.Ile1275Thr) results in a non-conservative amino acid change in the encoded protein sequence. Four of five in-silico tools predict a benign effect of the variant on protein function. The variant allele was found at a frequency of 4.6e-06 in 218466 control chromosomes (gnomAD). The available data on variant occurrences in the general population are insufficient to allow any conclusion about variant significance. c.3824T>C has been reported in the literature in an individual affected with breast cancer (D'Argenio_2015) and in an individual affected with lung adenocarcinoma without strong evidence for or against pathogenicity (Parry_2017). These reports do not provide unequivocal conclusions about association of the variant with Hereditary Breast And Ovarian Cancer Syndrome. A co-occurrence with another pathogenic variant has been reported (BRCA1 c.3770_3771delAG, p.Glu1257Glyfs), providing supporting evidence for a benign role. To our knowledge, no experimental evidence demonstrating an impact on protein function has been reported. Seven clinical diagnostic laboratories have submitted clinical-significance assessments for this variant to ClinVar after 2014 and all classified the variant as uncertain significance. Based on the evidence outlined above, the variant was classified as uncertain significance.

Illumina Laboratory Services, Illumina
Classification: Uncertain significance for Fanconi anemia complementation group D1. Last evaluated: 2017-04-28. Review status: criteria provided, single submitter. Criteria: ICSL Variant Classification Criteria 13 December 2019. Collection method: clinical testing. Allele origin: germline.

Illumina Laboratory Services, Illumina
Classification: Uncertain significance for Breast-ovarian cancer, familial, susceptibility to, 2. Last evaluated: 2017-04-28. Review status: criteria provided, single submitter. Criteria: ICSL Variant Classification Criteria 13 December 2019. Collection method: clinical testing. Allele origin: germline.
Comment: This variant was observed as part of a predisposition screen in an ostensibly healthy population. A literature search was performed for the gene, cDNA change, and amino acid change (where applicable). Publications were found based on this search. However, the evidence from the literature, in combination with allele frequency data from public databases where available, was not sufficient to rule this variant in or out of causing disease. Therefore, this variant is classified as a variant of unknown significance.

Counsyl
Classification: Uncertain significance for Breast-ovarian cancer, familial, susceptibility to, 2. Last evaluated: 2018-05-07. Review status: no assertion criteria provided. Collection method: clinical testing. Allele origin: unknown. Not counted in ClinVar's aggregate classification.

Sharing Clinical Reports Project (SCRP)
Classification: Uncertain significance for Breast-ovarian cancer, familial 2. Last evaluated: 2012-05-01. Review status: no assertion criteria provided. Collection method: clinical testing. Allele origin: germline. Not counted in ClinVar's aggregate classification.

Breast Cancer Information Core (BIC) (BRCA2)
Classification: Uncertain significance for Breast-ovarian cancer, familial 2. Last evaluated: 2004-02-20. Review status: no assertion criteria provided. Collection method: clinical testing. Allele origin: germline. Affected: yes. Observed: 2 variant alleles. Not counted in ClinVar's aggregate classification.

Literature cited by the submitters: PubMed 25896959 (cited by 7 submitters); PubMed 31131967 (cited by Color Diagnostics, LLC DBA Color Health and Quest Diagnostics Nichols Institute San Juan Capistrano); PubMed 31853058 (cited by Color Diagnostics, LLC DBA Color Health and Quest Diagnostics Nichols Institute San Juan Capistrano); PubMed 33471991 (cited by 3 submitters); PubMed 36179682 (cited by Quest Diagnostics Nichols Institute San Juan Capistrano); PubMed 31911673 (cited by Quest Diagnostics Nichols Institute San Juan Capistrano); PubMed 28843361 (cited by 3 submitters).

NM_000059.4(BRCA2):c.3824T>C (p.Ile1275Thr)

Gene: BRCA2 (BRCA2 DNA repair associated; plus strand). Cytogenetic location: 13q13.1.
Variant type: single nucleotide variant.
Coding change: c.3824T>C on transcript NM_000059.4 (MANE Select); coding-DNA position 3824, T replaced by C.
Protein change: p.Ile1275Thr; replaces isoleucine 1275 with threonine.
Molecular consequence: missense variant.
Genome position (GRCh38, 1-based): chr13:32,338,179, T>C. VCF-style: chr13-32338179-T-C. GRCh37 (hg19) VCF-style: chr13-32912316-T-C.
Other names: 4052T>C; short protein forms I1275T.
Identifiers: ClinVar variation 51531 (VCV000051531.34), dbSNP rs80358625, ClinGen allele CA018880.